The following is an entry in ClinVar:

NM_012330.4(KAT6B):c.5979_5980dup (p.Gly1994fs)

Gene: KAT6B (lysine acetyltransferase 6B; plus strand). Cytogenetic location: 10q22.2.
Variant type: Duplication.
Coding change: c.5979_5980dup on transcript NM_012330.4 (MANE Select); coding-DNA positions 5979 to 5980, 2 bases duplicated (TG; older notation c.5979_5980dupTG).
Protein change: p.Gly1994fs; shifts the reading frame from glycine 1994.
Molecular consequence: frameshift variant.
Genome position (GRCh38, 1-based): chr10:75,030,803-75,030,804, TG duplicated. VCF-style (leftmost placement, unchanged base first): chr10-75030802-A-ATG. GRCh37 (hg19) VCF-style: chr10-76790560-A-ATG.
Other names: c.5430_5431dup, p.Gly1811fs (NM_001256468.2, NM_001370138.1); c.5103_5104dup, p.Gly1702fs (NM_001256469.2, NM_001370139.1, NM_001370140.1 and 2 more transcripts); c.4941_4942dup, p.Gly1648fs (NM_001370132.1); c.4290_4291dup, p.Gly1431fs (NM_001370133.1); c.3894_3895dup, p.Gly1299fs (NM_001370134.1); c.3636_3637dup, p.Gly1213fs (NM_001370135.1); c.5979_5980dup, p.Gly1994fs (NM_001370136.1, NM_001370137.1); c.4914_4915dup, p.Gly1639fs (NM_001370143.1, NM_001370144.1); short protein forms G1213fs, G1299fs, G1431fs, G1639fs, G1648fs, G1702fs, G1811fs, G1994fs.
Identifiers: ClinVar variation 2581925 (VCV002581925.1), dbSNP rs2549217162, ClinGen allele CA2582342681.

ClinVar aggregate classification (germline): Uncertain significance (1 of 4 stars; one submission).

Submission:

GeneDx
Classification: Uncertain significance. Last evaluated: 2023-03-29. Review status: criteria provided, single submitter. Criteria: GeneDx Variant Classification Process June 2021. Collection method: clinical testing. Allele origin: germline. Affected: yes.
Comment: Frameshift variant predicted to result in protein truncation as the last 80 amino acids are replaced with 8 different amino acids, although loss-of-function variants have not been reported downstream of this position in the protein; Not observed at significant frequency in large population cohorts (gnomAD); Has not been previously published as pathogenic or benign to our knowledge